The following is an entry in ClinVar:

NM_018706.7(DHTKD1):c.1832A>G (p.Gln611Arg)

Gene: DHTKD1 (dehydrogenase E1 and transketolase domain containing 1; plus strand). Cytogenetic location: 10p14.
Variant type: single nucleotide variant.
Coding change: c.1832A>G on transcript NM_018706.7 (MANE Select); coding-DNA position 1832, A replaced by G.
Protein change: p.Gln611Arg; replaces glutamine 611 with arginine.
Molecular consequence: missense variant.
Genome position (GRCh38, 1-based): chr10:12,101,117, A>G. VCF-style: chr10-12101117-A-G. GRCh37 (hg19) VCF-style: chr10-12143116-A-G.
Other names: c.1832A>G (NM_018706.5); short protein forms Q611R.
Identifiers: ClinVar variation 785749 (VCV000785749.13), dbSNP rs147938299, ClinGen allele CA5408044.

ClinVar aggregate classification (germline): Benign/Likely benign. Review status: criteria provided, multiple submitters, no conflicts (2 of 4 stars). 4 submissions from 4 submitters: Benign (1); Likely benign (3). Last evaluated 2026-03-16.

Conditions:
Inborn genetic diseases. Identifiers: MedGen C0950123, MeSH D030342.
2-aminoadipic 2-oxoadipic aciduria (AAKAD). Also called: Aminoadipic aciduria; ALPHA-AMINOADIPIC AND ALPHA-KETOADIPIC ACIDURIA. Identifiers: Orphanet 79154, MedGen C1859817, MONDO:0008774, OMIM 204750.

Allele frequency attached by ClinVar (database versions not stated): gnomAD 0.00240 and 0.00220; TOPMed 0.00271; gnomAD exomes 0.00022 and 0.00064; ExAC 0.00081; 1000 Genomes Project 30x 0.00234; 1000 Genomes Project 0.00240; ESP Exome Variant Server 0.00277.
gnomAD v4.1: 662 of 1,614,122 alleles (0.041%); highest among the groups gnomAD compares: African/African-American, 0.81%; 4 homozygotes.

Submissions (4):

Women's Health and Genetics/Laboratory Corporation of America, LabCorp
Classification: Likely benign. Last evaluated: 2026-03-16. Review status: criteria provided, single submitter. Criteria: LabCorp Variant Classification Summary - May 2015. Collection method: clinical testing. Allele origin: germline.
Comment: Variant summary: DHTKD1 c.1832A>G (p.Gln611Arg) results in a conservative amino acid change in the encoded protein sequence. Algorithms developed to predict the effect of missense changes on protein structure and function are either unavailable or do not agree on the potential impact of this missense change. The variant allele was found at a frequency of 0.00064 in 251464 control chromosomes, predominantly at a frequency of 0.0094 within the African or African-American subpopulation in the gnomAD database. The observed variant frequency within African or African-American control individuals in the gnomAD database exceeds the estimated maximal expected allele frequency for disease-causing variants in DHTKD1. To our knowledge, no occurrence of c.1832A>G in individuals affected with DHTKD1-related conditions and no experimental evidence demonstrating its impact on protein function have been reported. ClinVar contains an entry for this variant (Variation ID: 785749). Based on the evidence outlined above, the variant was classified as likely benign.

Labcorp Genetics (formerly Invitae), Labcorp
Classification: Likely benign for 2-aminoadipic 2-oxoadipic aciduria. Last evaluated: 2025-12-10. Review status: criteria provided, single submitter. Criteria: Invitae Variant Classification Sherloc (09022015). Collection method: clinical testing. Allele origin: germline.

Ambry Genetics
Classification: Likely benign for Inborn genetic diseases. Last evaluated: 2022-07-14. Review status: criteria provided, single submitter. Criteria: Ambry Variant Classification Scheme 2023. Collection method: clinical testing. Allele origin: germline.

Mendelics
Classification: Benign. Last evaluated: 2022-05-04. Review status: criteria provided, single submitter. Criteria: Mendelics Assertion Criteria 2019. Collection method: clinical testing. Allele origin: germline.